The following is an entry in ClinVar:

ClinVar aggregate classification (germline): Uncertain significance (1 of 4 stars; one submission).

Conditions:
DICER1-related tumor predisposition. Also called: DICER1 syndrome; DICER1-related pleuropulmonary blastoma cancer predisposition syndrome. Identifiers: Orphanet 284343, MedGen C3839822, MONDO:0100216.

Allele frequency attached by ClinVar (database versions not stated): TOPMed below 0.00001.

Submission:

Labcorp Genetics (formerly Invitae), Labcorp
Classification: Uncertain significance for DICER1-related tumor predisposition. Last evaluated: 2025-01-29. Review status: criteria provided, single submitter. Criteria: Invitae Variant Classification Sherloc (09022015). Collection method: clinical testing. Allele origin: germline.
Comment: This sequence change replaces methionine, which is neutral and non-polar, with valine, which is neutral and non-polar, at codon 17 of the DICER1 protein (p.Met17Val). This variant is not present in population databases (gnomAD no frequency). This variant has not been reported in the literature in individuals affected with DICER1-related conditions. ClinVar contains an entry for this variant (Variation ID: 1036253). Invitae Evidence Modeling of protein sequence and biophysical properties (such as structural, functional, and spatial information, amino acid conservation, physicochemical variation, residue mobility, and thermodynamic stability) indicates that this missense variant is not expected to disrupt DICER1 protein function with a negative predictive value of 95%. In summary, the available evidence is currently insufficient to determine the role of this variant in disease. Therefore, it has been classified as a Variant of Uncertain Significance.

NM_177438.3(DICER1):c.49A>G (p.Met17Val)

Gene: DICER1 (dicer 1, ribonuclease III; minus strand). Cytogenetic location: 14q32.13.
Variant type: single nucleotide variant.
Coding change: c.49A>G on transcript NM_177438.3 (MANE Select); coding-DNA position 49, A replaced by G.
Protein change: p.Met17Val; replaces methionine 17 with valine.
Molecular consequence: missense variant.
Genome position (GRCh38, 1-based): chr14:95,133,410, T>C on the plus strand (A>G on the coding strand, the complement: DICER1 is on the minus strand). VCF-style: chr14-95133410-T-C. GRCh37 (hg19) VCF-style: chr14-95599747-T-C.
Other names: c.49A>G, p.Met17Val (NM_001195573.1, NM_001271282.3, NM_001291628.2 and 1 more transcripts); short protein forms M17V.
Identifiers: ClinVar variation 1036253 (VCV001036253.10), dbSNP rs1555376587, ClinGen allele CA390890686.